The following is an entry in ClinVar:

ClinVar aggregate classification (germline): Uncertain significance. Review status: criteria provided, multiple submitters, no conflicts (2 of 4 stars). 2 submissions from 2 submitters: Uncertain significance (2). Last evaluated 2025-09-23.

Conditions:
Familial melanoma. Also called: Hereditary melanoma; Hereditary cutaneous melanoma. Identifiers: Orphanet 618, MedGen C1512419, MONDO:0018961.
Hereditary cancer-predisposing syndrome. Also called: Tumor predisposition; Neoplastic Syndromes, Hereditary; Hereditary Cancer Syndrome; Hereditary neoplastic syndrome. Identifiers: Orphanet 140162, MedGen C0027672, MeSH D009386, MONDO:0015356.

Allele frequency attached by ClinVar (database versions not stated): ExAC 0.00001; gnomAD exomes 0.00001 and 0.00003.
gnomAD v4.1: 7 of 1,605,408 alleles (0.00044%); highest among the groups gnomAD compares: South Asian, 0.0077%; no homozygotes.

Submissions (2):

Ambry Genetics
Classification: Uncertain significance for Hereditary cancer-predisposing syndrome. Last evaluated: 2025-09-23. Review status: criteria provided, single submitter. Criteria: Ambry Variant Classification Scheme 2023. Collection method: clinical testing. Allele origin: germline.
Comment: The p.V24A variant (also known as c.71T>C), located in coding exon 1 of the CDKN2A (p14ARF) gene, results from a T to C substitution at nucleotide position 71. The valine at codon 24 is replaced by alanine, an amino acid with similar properties. This amino acid position is highly conserved in available vertebrate species. Based on the available evidence, the clinical significance of this variant remains unclear.

Labcorp Genetics (formerly Invitae), Labcorp
Classification: Uncertain significance for Familial melanoma. Last evaluated: 2021-10-14. Review status: criteria provided, single submitter. Criteria: Invitae Variant Classification Sherloc (09022015). Collection method: clinical testing. Allele origin: germline.

NM_058195.4(CDKN2A):c.71T>C (p.Val24Ala)

Gene: CDKN2A (cyclin dependent kinase inhibitor 2A; minus strand). Cytogenetic location: 9p21.3.
Variant type: single nucleotide variant.
Coding change: c.71T>C on transcript NM_058195.4 (MANE Plus Clinical); coding-DNA position 71, T replaced by C.
Protein change: p.Val24Ala; replaces valine 24 with alanine.
Molecular consequence: missense variant. On other transcripts: intron variant (1).
Genome position (GRCh38, 1-based): chr9:21,994,261, A>G on the plus strand (T>C on the coding strand, the complement: CDKN2A is on the minus strand). VCF-style: chr9-21994261-A-G. GRCh37 (hg19) VCF-style: chr9-21994260-A-G.
Other names: c.-4+560T>C (NM_001363763.2); short protein forms V24A.
Identifiers: ClinVar variation 1407597 (VCV001407597.4), dbSNP rs749723804, ClinGen allele CA5012395.
Genomic context (GRCh38, chr9:21,994,261, plus strand): 5'-GCCACAGCGGCGGGCGCCCCTGGCGCTGCCCACTCCCCCGTGAGCCGCGGGATGTGAACC[A>G]CGAAAACCCTCACTCGCGGCGGGCCGCACGCGCGCCGAATCCGGAGGGTCACCAAGAACC-3'
Protein context (NP_478102.2, residues 14-34): ACGPPRVRVF[Val24Ala]VHIPRLTGEW